The following is an entry in ClinVar:

NM_020937.4(FANCM):c.5767A>T (p.Thr1923Ser)

Gene: FANCM (FA complementation group M; plus strand). Cytogenetic location: 14q21.2.
Variant type: single nucleotide variant.
Coding change: c.5767A>T on transcript NM_020937.4 (MANE Select); coding-DNA position 5767, A replaced by T.
Protein change: p.Thr1923Ser; replaces threonine 1923 with serine.
Molecular consequence: missense variant.
Genome position (GRCh38, 1-based): chr14:45,198,694, A>T. VCF-style: chr14-45198694-A-T. GRCh37 (hg19) VCF-style: chr14-45667897-A-T.
Other names: c.5689A>T, p.Thr1897Ser (NM_001308133.2); short protein forms T1897S, T1923S.
Identifiers: ClinVar variation 4533138 (VCV004533138.1).
Genomic context (GRCh38, chr14:45,198,694, plus strand): 5'-GAATATTTAGGAGACACATCAAGGATGTTTAGGAGAACAAAGAGCTATGACAGCCTGCTG[A>T]CTACCTTAATTGGCGCTGGAATCCGAATTCTTTTCAGTTCCTGCCAAGAAGAAACCGCAG-3'
Protein context (NP_065988.1, residues 1913-1933): RRTKSYDSLL[Thr1923Ser]TLIGAGIRIL

ClinVar aggregate classification (germline): Uncertain significance (1 of 4 stars; one submission).

gnomAD v4.1: 3 of 1,613,670 alleles (0.00019%); highest among the groups gnomAD compares: Non-Finnish European, 0.00025%; no homozygotes.

Submission:

Quest Diagnostics Nichols Institute San Juan Capistrano
Classification: Uncertain significance. Last evaluated: 2025-10-02. Review status: criteria provided, single submitter. Criteria: Quest Diagnostics criteria. Collection method: clinical testing. Allele origin: unknown.
Comment: The FANCM c.5767A>T (p.Thr1923Ser) variant has not been reported in individuals with FANCM-related conditions in the published literature. The frequency of this variant in the general population (Genome Aggregation Database) is uninformative in the assessment of its pathogenicity. Analysis of this variant using bioinformatics tools for the prediction of the effect of amino acid changes on protein structure and function yielded predictions that this variant is benign. Based on the available information, we are unable to determine the clinical significance of this variant.

Literature cited by the submitters: PubMed 36707629.